The following is an entry in ClinVar:

ClinVar aggregate classification (germline): Uncertain significance. Review status: criteria provided, multiple submitters, no conflicts (2 of 4 stars). 2 submissions from 2 submitters: Uncertain significance (2). Last evaluated 2023-06-21.

Conditions:
Hereditary cancer-predisposing syndrome. Also called: Neoplastic Syndromes, Hereditary; Hereditary neoplastic syndrome; Hereditary Cancer Syndrome; Tumor predisposition. Identifiers: Orphanet 140162, MedGen C0027672, MeSH D009386, MONDO:0015356.
Gastrointestinal stromal tumor. Also called: Gastrointestinal stromal tumor, somatic; Gastrointestinal stroma tumor. Identifiers: Orphanet 44890, MedGen C0238198, MeSH D046152, MONDO:0011719, OMIM 606764, HP:0100723.

Submissions (2):

Ambry Genetics
Classification: Uncertain significance for Hereditary cancer-predisposing syndrome. Last evaluated: 2023-06-21. Review status: criteria provided, single submitter. Criteria: Ambry Variant Classification Scheme 2023. Collection method: clinical testing. Allele origin: germline.
Comment: The p.I370L variant (also known as c.1108A>C), located in coding exon 6 of the PDGFRA gene, results from an A to C substitution at nucleotide position 1108. The isoleucine at codon 370 is replaced by leucine, an amino acid with highly similar properties. This amino acid position is conserved. In addition, this alteration is predicted to be tolerated by in silico analysis. Since supporting evidence is limited at this time, the clinical significance of this alteration remains unclear.

Labcorp Genetics (formerly Invitae), Labcorp
Classification: Uncertain significance for Gastrointestinal stromal tumor. Last evaluated: 2022-05-12. Review status: criteria provided, single submitter. Criteria: Invitae Variant Classification Sherloc (09022015). Collection method: clinical testing. Allele origin: germline.
Comment: In summary, the available evidence is currently insufficient to determine the role of this variant in disease. Therefore, it has been classified as a Variant of Uncertain Significance. Algorithms developed to predict the effect of missense changes on protein structure and function (SIFT, PolyPhen-2, Align-GVGD) all suggest that this variant is likely to be tolerated. This variant has not been reported in the literature in individuals affected with PDGFRA-related conditions. This variant is not present in population databases (gnomAD no frequency). This sequence change replaces isoleucine, which is neutral and non-polar, with leucine, which is neutral and non-polar, at codon 370 of the PDGFRA protein (p.Ile370Leu).

NM_006206.6(PDGFRA):c.1108A>C (p.Ile370Leu)

Gene: PDGFRA (platelet derived growth factor receptor alpha; plus strand). Cytogenetic location: 4q12.
Variant type: single nucleotide variant.
Coding change: c.1108A>C on transcript NM_006206.6 (MANE Select); coding-DNA position 1108, A replaced by C.
Protein change: p.Ile370Leu; replaces isoleucine 370 with leucine.
Molecular consequence: missense variant.
Genome position (GRCh38, 1-based): chr4:54,267,728, A>C. VCF-style: chr4-54267728-A-C. GRCh37 (hg19) VCF-style: chr4-55133895-A-C.
Other names: c.1108A>C, p.Ile370Leu (NM_001347827.2, NM_001347829.2); c.1183A>C, p.Ile395Leu (NM_001347828.2); c.1147A>C, p.Ile383Leu (NM_001347830.2); short protein forms I383L, I370L, I395L.
Identifiers: ClinVar variation 1930787 (VCV001930787.7), dbSNP rs1553903361, ClinGen allele CA356891815.